The following is an entry in ClinVar:

ClinVar aggregate classification (germline): Uncertain significance (1 of 4 stars; one submission).

Conditions:
Congenital factor V deficiency. Also called: LABILE FACTOR DEFICIENCY; OWREN PARAHEMOPHILIA; PARAHEMOPHILIA; Hereditary factor V deficiency disease. Identifiers: Orphanet 326, MedGen C0015499, MONDO:0009210, OMIM 227400.

gnomAD v4.1: 12 of 1,613,940 alleles (0.00074%); highest among the groups gnomAD compares: Admixed American, 0.0017%; no homozygotes.

Submission:

Labcorp Genetics (formerly Invitae), Labcorp
Classification: Uncertain significance for Congenital factor V deficiency. Last evaluated: 2024-07-06. Review status: criteria provided, single submitter. Criteria: Invitae Variant Classification Sherloc (09022015). Collection method: clinical testing. Allele origin: germline.
Comment: This sequence change replaces serine, which is neutral and polar, with arginine, which is basic and polar, at codon 587 of the F5 protein (p.Ser587Arg). This variant is present in population databases (rs775992286, gnomAD 0.002%). This variant has not been reported in the literature in individuals affected with F5-related conditions. Advanced modeling of protein sequence and biophysical properties (such as structural, functional, and spatial information, amino acid conservation, physicochemical variation, residue mobility, and thermodynamic stability) performed at Invitae indicates that this missense variant is expected to disrupt F5 protein function with a positive predictive value of 80%. In summary, the available evidence is currently insufficient to determine the role of this variant in disease. Therefore, it has been classified as a Variant of Uncertain Significance.

NM_000130.5(F5):c.1761C>A (p.Ser587Arg)

Gene: F5 (coagulation factor V; minus strand). Cytogenetic location: 1q24.2.
Variant type: single nucleotide variant.
Coding change: c.1761C>A on transcript NM_000130.5 (MANE Select); coding-DNA position 1761, C replaced by A.
Protein change: p.Ser587Arg; replaces serine 587 with arginine.
Molecular consequence: missense variant.
Genome position (GRCh38, 1-based): chr1:169,546,443, G>T on the plus strand (C>A on the coding strand, the complement: F5 is on the minus strand). VCF-style: chr1-169546443-G-T. GRCh37 (hg19) VCF-style: chr1-169515681-G-T.
Other names: short protein forms S587R.
Identifiers: ClinVar variation 3709153 (VCV003709153.1).